The following is an entry in ClinVar:

NM_006767.4(LZTR1):c.832C>T (p.Pro278Ser)

Gene: LZTR1 (leucine zipper like post translational regulator 1; plus strand). Cytogenetic location: 22q11.21.
Variant type: single nucleotide variant.
Coding change: c.832C>T on transcript NM_006767.4 (MANE Select); coding-DNA position 832, C replaced by T.
Protein change: p.Pro278Ser; replaces proline 278 with serine.
Molecular consequence: missense variant.
Genome position (GRCh38, 1-based): chr22:20,991,668, C>T. VCF-style: chr22-20991668-C-T. GRCh37 (hg19) VCF-style: chr22-21345957-C-T.
Other names: short protein forms P278S.
Identifiers: ClinVar variation 4859405 (VCV004859405.1).

ClinVar aggregate classification (germline): Uncertain significance (1 of 4 stars; one submission).

Conditions:
Cardiovascular phenotype. Identifiers: MedGen CN230736.
Hereditary cancer-predisposing syndrome. Also called: Neoplastic Syndromes, Hereditary; Tumor predisposition; Hereditary Cancer Syndrome; Hereditary neoplastic syndrome. Identifiers: Orphanet 140162, MedGen C0027672, MeSH D009386, MONDO:0015356.

Submission:

Ambry Genetics
Classification: Uncertain significance for Cardiovascular phenotype; Hereditary cancer-predisposing syndrome. Last evaluated: 2026-05-14. Review status: criteria provided, single submitter. Criteria: Ambry Variant Classification Scheme 2023. Collection method: clinical testing. Allele origin: germline.
Comment: The p.P278S variant (also known as c.832C>T), located in coding exon 9 of the LZTR1 gene, results from a C to T substitution at nucleotide position 832. The proline at codon 278 is replaced by serine, an amino acid with similar properties. This amino acid position is conserved. In addition, the in silico prediction for this alteration is inconclusive. Based on the available evidence, the clinical significance of this variant remains unclear.